The following is an entry in ClinVar:

ClinVar aggregate classification (germline): Pathogenic (1 of 4 stars; one submission).

Conditions:
Polycystic kidney disease, adult type (PKD1). Also called: Polycystic Kidney Disease 1, Autosomal Dominant; Polycystic kidney disease 1; Polycystic kidney disease 1, severe; POLYCYSTIC KIDNEY DISEASE 1 WITH OR WITHOUT POLYCYSTIC LIVER DISEASE; POLYCYSTIC KIDNEY DISEASE, ADULT, TYPE I; Polycystic Kidney, Autosomal Dominant. Identifiers: MedGen C3149841, MONDO:0008263, OMIM 173900.

Submission:

MVZ Medizinische Genetik Mainz
Classification: Pathogenic for Polycystic kidney disease, adult type. Last evaluated: 2024-06-07. Review status: criteria provided, single submitter. Criteria: UK Practice Guidelines For Variant Classification V4 01 2020. Collection method: clinical testing. Allele origin: germline. Inheritance: Autosomal dominant inheritance. Affected: yes. Observed: 1 variant allele.
Comment: ACMG Criteria: PVS1,PM2_SUP,PP4

NM_001009944.3(PKD1):c.4023dup (p.Cys1342fs)

Gene: PKD1 (polycystin 1, transient receptor potential channel interacting; minus strand). Cytogenetic location: 16p13.3.
Variant type: Duplication.
Coding change: c.4023dup on transcript NM_001009944.3 (MANE Select); coding-DNA position 4023, one base duplicated (G; older notation c.4023dupG).
Protein change: p.Cys1342fs; shifts the reading frame from cysteine 1342.
Molecular consequence: frameshift variant.
Genome position (GRCh38, 1-based): chr16:2,111,144, C duplicated on the plus strand (G on the coding strand, the reverse complement: PKD1 is on the minus strand); the first of 5 consecutive C bases (chr16:2,111,144-2,111,148); duplicating any one gives the same sequence. VCF-style (leftmost placement, unchanged base first): chr16-2111143-A-AC. GRCh37 (hg19) VCF-style: chr16-2161144-A-AC.
Other names: c.4023dup, p.Cys1342fs (NM_000296.4); short protein forms C1342fs.
Identifiers: ClinVar variation 3248535 (VCV003248535.1), dbSNP rs2544825647.